The following is an entry in ClinVar:

ClinVar aggregate classification (germline): Uncertain significance (1 of 4 stars; one submission).

Conditions:
Generalized epilepsy with febrile seizures plus, type 9 (GEFSP9). Also called: GEFS+, TYPE 9. Identifiers: Orphanet 36387, MedGen C4015395, MONDO:0014517, OMIM 616172.

gnomAD v4.1: 4 of 1,610,648 alleles (0.00025%); highest among the groups gnomAD compares: Non-Finnish European, 0.00025%; no homozygotes.

Submission:

Labcorp Genetics (formerly Invitae), Labcorp
Classification: Uncertain significance for Generalized epilepsy with febrile seizures plus, type 9. Last evaluated: 2024-08-05. Review status: criteria provided, single submitter. Criteria: Invitae Variant Classification Sherloc (09022015). Collection method: clinical testing. Allele origin: germline.
Comment: This sequence change replaces leucine, which is neutral and non-polar, with proline, which is neutral and non-polar, at codon 105 of the STX1B protein (p.Leu105Pro). The frequency data for this variant in the population databases is considered unreliable, as metrics indicate poor data quality at this position in the gnomAD database. This variant has not been reported in the literature in individuals affected with STX1B-related conditions. An algorithm developed to predict the effect of missense changes on protein structure and function (PolyPhen-2) suggests that this variant is likely to be tolerated. In summary, the available evidence is currently insufficient to determine the role of this variant in disease. Therefore, it has been classified as a Variant of Uncertain Significance.

NM_052874.5(STX1B):c.314T>C (p.Leu105Pro)

Gene: STX1B (syntaxin 1B; minus strand). Cytogenetic location: 16p11.2.
Variant type: single nucleotide variant.
Coding change: c.314T>C on transcript NM_052874.5 (MANE Select); coding-DNA position 314, T replaced by C.
Protein change: p.Leu105Pro; replaces leucine 105 with proline.
Molecular consequence: missense variant.
Genome position (GRCh38, 1-based): chr16:30,997,542, A>G on the plus strand (T>C on the coding strand, the complement: STX1B is on the minus strand). VCF-style: chr16-30997542-A-G. GRCh37 (hg19) VCF-style: chr16-31008863-A-G.
Other names: short protein forms L105P.
Identifiers: ClinVar variation 3669343 (VCV003669343.2).